The following is an entry in ClinVar:

NM_001093.4(ACACB):c.2817A>T (p.Arg939Ser)

Gene: ACACB (acetyl-CoA carboxylase beta; plus strand). Cytogenetic location: 12q24.11.
Variant type: single nucleotide variant.
Coding change: c.2817A>T on transcript NM_001093.4 (MANE Select); coding-DNA position 2817, A replaced by T.
Protein change: p.Arg939Ser; replaces arginine 939 with serine.
Molecular consequence: missense variant.
Genome position (GRCh38, 1-based): chr12:109,201,605, A>T. VCF-style: chr12-109201605-A-T. GRCh37 (hg19) VCF-style: chr12-109639410-A-T.
Other names: c.2817A>T, p.Arg939Ser (NM_001412734.1, NM_001412735.1); c.2211A>T, p.Arg737Ser (NM_001412736.1, NM_001412738.1, NM_001412739.1 and 1 more transcripts); c.2190A>T, p.Arg730Ser (NM_001412737.1); short protein forms R730S, R737S, R939S.
Identifiers: ClinVar variation 2634738 (VCV002634738.2), dbSNP rs144385811, ClinGen allele CA6773788.

ClinVar aggregate classification (germline): Conflicting classifications of pathogenicity. Review status: criteria provided, conflicting classifications (1 of 4 stars). 2 submissions from 2 submitters: Uncertain significance (1); Likely benign (1). Last evaluated 2025-08-02.

Conditions:
ACACB-related disorder. Also called: ACACB-related condition.

Allele frequency attached by ClinVar (database versions not stated): gnomAD exomes 0.00006; ESP Exome Variant Server 0.00023; TOPMed 0.00034; gnomAD 0.00035; 1000 Genomes Project 30x 0.00047; 1000 Genomes Project 0.00060.
gnomAD v4.1: 158 of 1,614,200 alleles (0.0098%); highest among the groups gnomAD compares: African/African-American, 0.15%; 1 homozygote.

Submissions (2):

Ambry Genetics
Classification: Likely benign. Last evaluated: 2025-08-02. Review status: criteria provided, single submitter. Criteria: Ambry Variant Classification Scheme 2023. Collection method: clinical testing. Allele origin: germline.

PreventionGenetics, part of Exact Sciences
Classification: Uncertain significance for ACACB-related condition. Last evaluated: 2022-11-19. Review status: criteria provided, single submitter. Criteria: ACMG Guidelines, 2015. Collection method: clinical testing. Allele origin: germline.
Comment: The ACACB c.2817A>T variant is predicted to result in the amino acid substitution p.Arg939Ser. To our knowledge, this variant has not been reported in the literature. This variant is reported in 0.092% of alleles in individuals of African descent in gnomAD, which is likely too common for an undocumented disease-causing variant. Although we suspect this variant may be benign, at this time its clinical significance is uncertain due to the absence of conclusive functional and genetic evidence.